The following is an entry in ClinVar:

NM_030665.4(RAI1):c.271C>T (p.Leu91=)

Gene: RAI1 (retinoic acid induced 1; plus strand). Cytogenetic location: 17p11.2.
Variant type: single nucleotide variant.
Coding change: c.271C>T on transcript NM_030665.4 (MANE Select); coding-DNA position 271, C replaced by T.
Protein change: p.Leu91=; no amino-acid change (leucine 91 retained).
Molecular consequence: synonymous variant.
Genome position (GRCh38, 1-based): chr17:17,793,219, C>T. VCF-style: chr17-17793219-C-T. GRCh37 (hg19) VCF-style: chr17-17696533-C-T.
Identifiers: ClinVar variation 4995854 (VCV004995854.1).

ClinVar aggregate classification (germline): Likely benign (1 of 4 stars; one submission).

Conditions:
RAI1-related disorder. Also called: RAI1-related condition.

gnomAD v4.1: 1 of 1,611,946 alleles (0.000062%); highest among the groups gnomAD compares: Non-Finnish European, 0.000085%; no homozygotes.

Submission:

PreventionGenetics, part of Exact Sciences
Classification: Likely benign for RAI1-related condition. Last evaluated: 2025-11-06. Review status: criteria provided, single submitter. Criteria: ACMG Guidelines, 2015. Collection method: clinical testing. Allele origin: germline.
Comment: This variant is classified as likely benign based on ACMG/AMP sequence variant interpretation guidelines (Richards et al. 2015 PMID: 25741868, with internal and published modifications).